The following is an entry in ClinVar:

ClinVar aggregate classification (germline): Benign/Likely benign. Review status: criteria provided, multiple submitters, no conflicts (2 of 4 stars). 4 submissions from 4 submitters: Benign (1); Likely benign (2). 1 of the submissions does not count toward it. Last evaluated 2025-11-09.

Conditions:
ARHGEF1-related disorder. Also called: ARHGEF1-related condition.

Allele frequency attached by ClinVar (database versions not stated): TOPMed 0.00006; 1000 Genomes Project 30x 0.00031; 1000 Genomes Project 0.00040; gnomAD 0.00041 and 0.00046; gnomAD exomes 0.00041; ExAC 0.00044.
gnomAD v4.1: 420 of 1,603,818 alleles (0.026%); highest among the groups gnomAD compares: East Asian, 0.26%; 1 homozygote.

Submissions (4):

Labcorp Genetics (formerly Invitae), Labcorp
Classification: Benign. Last evaluated: 2025-11-09. Review status: criteria provided, single submitter. Criteria: Invitae Variant Classification Sherloc (09022015). Collection method: clinical testing. Allele origin: germline.

Blueprint Genetics
Classification: Likely benign. Last evaluated: 2024-11-14. Review status: criteria provided, single submitter. Criteria: ACMG Guidelines, 2015. Collection method: clinical testing. Allele origin: germline.

CeGaT Center for Human Genetics Tuebingen
Classification: Likely benign. Last evaluated: 2022-09-01. Review status: criteria provided, single submitter. Criteria: CeGaT Center For Human Genetics Tuebingen Variant Classification Criteria Version 2. Collection method: clinical testing. Allele origin: germline. Affected: yes. Observed: 1 variant allele.
Comment: ARHGEF1: BP4, BP7

PreventionGenetics, part of Exact Sciences
Classification: Likely benign for ARHGEF1-related condition. Last evaluated: 2023-09-27. Review status: no assertion criteria provided. Collection method: clinical testing. Allele origin: germline. Not counted in ClinVar's aggregate classification.
Comment: This variant is classified as likely benign based on ACMG/AMP sequence variant interpretation guidelines (Richards et al. 2015 PMID: 25741868, with internal and published modifications).

NM_004706.4(ARHGEF1):c.216A>G (p.Pro72=)

Gene: ARHGEF1 (Rho guanine nucleotide exchange factor 1; plus strand). Cytogenetic location: 19q13.2.
Variant type: single nucleotide variant.
Coding change: c.216A>G on transcript NM_004706.4 (MANE Select); coding-DNA position 216, A replaced by G.
Protein change: p.Pro72=; no amino-acid change (proline 72 retained).
Molecular consequence: synonymous variant.
Genome position (GRCh38, 1-based): chr19:41,888,856, A>G. VCF-style: chr19-41888856-A-G. GRCh37 (hg19) VCF-style: chr19-42392927-A-G.
Other names: c.261A>G (NM_199002.1); c.216A>G, p.Pro72= (NM_198977.2); c.261A>G, p.Pro87= (NM_199002.2).
Identifiers: ClinVar variation 1589573 (VCV001589573.34), dbSNP rs535083562, ClinGen allele CA9465816.